The following is an entry in ClinVar:

ClinVar aggregate classification (germline): Benign/Likely benign. Review status: criteria provided, multiple submitters, no conflicts (2 of 4 stars). 6 submissions from 6 submitters: Benign (2); Likely benign (3). 1 of the submissions does not count toward it. Last evaluated 2025-12-01.

Conditions:
NSDHL-related disorder. Also called: NSDHL-Related Disorders; NSDHL-related condition. Identifiers: MedGen CN381535.
Intellectual disability. Also called: intellectual disabilities; Intellectual functioning disability; Intellectual developmental disorder. Identifiers: MedGen C3714756, MeSH D008607, MONDO:0001071, HP:0001249.

Allele frequency attached by ClinVar (database versions not stated): TOPMed 0.00009; gnomAD exomes 0.00010; gnomAD 0.00012; ExAC 0.00022; ESP Exome Variant Server 0.00028.
gnomAD v4.1: 117 of 1,210,477 alleles (0.0097%); highest among the groups gnomAD compares: Middle Eastern, 0.023%; no homozygotes.

Submissions (6):

CeGaT Center for Human Genetics Tuebingen
Classification: Likely benign. Last evaluated: 2025-12-01. Review status: criteria provided, single submitter. Criteria: CeGaT Center For Human Genetics Tuebingen Variant Classification Criteria Version 2. Collection method: clinical testing. Allele origin: germline. Affected: yes. Observed: 2 variant alleles.
Comment: NSDHL: BS2

Labcorp Genetics (formerly Invitae), Labcorp
Classification: Benign. Last evaluated: 2025-09-08. Review status: criteria provided, single submitter. Criteria: Invitae Variant Classification Sherloc (09022015). Collection method: clinical testing. Allele origin: germline.

Laboratory of Genetics, Children's Clinical University Hospital Latvia
Classification: Benign. Last evaluated: 2025-02-16. Review status: criteria provided, single submitter. Criteria: ACMG Guidelines, 2015. Collection method: clinical testing. Allele origin: germline. Affected: yes.

Blueprint Genetics
Classification: Likely benign. Last evaluated: 2024-09-13. Review status: criteria provided, single submitter. Criteria: ACMG Guidelines, 2015. Collection method: clinical testing. Allele origin: germline.

Cambridge Genomics Laboratory, East Genomic Laboratory Hub, NHS Genomic Medicine Service
Classification: Likely benign for Intellectual disability. Last evaluated: 2020-01-29. Review status: criteria provided, single submitter. Criteria: ACGS Best Practice Guidelines for Variant Classification in Rare Disease 2020. Collection method: clinical testing. Allele origin: germline. Affected: yes. Observed: 1 variant allele.

PreventionGenetics, part of Exact Sciences
Classification: Likely benign for NSDHL-related condition. Last evaluated: 2023-04-24. Review status: no assertion criteria provided. Collection method: clinical testing. Allele origin: germline. Not counted in ClinVar's aggregate classification.
Comment: This variant is classified as likely benign based on ACMG/AMP sequence variant interpretation guidelines (Richards et al. 2015 PMID: 25741868, with internal and published modifications).

NM_015922.3(NSDHL):c.1087G>A (p.Val363Met)

Gene: NSDHL (NAD(P) dependent 3-beta-hydroxysteroid dehydrogenase NSDHL; plus strand). Cytogenetic location: Xq28.
Variant type: single nucleotide variant.
Coding change: c.1087G>A on transcript NM_015922.3 (MANE Select); coding-DNA position 1087, G replaced by A.
Protein change: p.Val363Met; replaces valine 363 with methionine.
Molecular consequence: missense variant.
Genome position (GRCh38, 1-based): chrX:152,869,081, G>A. VCF-style: chrX-152869081-G-A. GRCh37 (hg19) VCF-style: chrX-152037625-G-A.
Other names: c.1087G>A (NM_015922.2); c.1087G>A, p.Val363Met (NM_001129765.2); short protein forms V363M.
Identifiers: ClinVar variation 2147781 (VCV002147781.27), dbSNP rs200166523, ClinGen allele CA10544907.